The following is an entry in ClinVar:

NM_138420.4(AHNAK2):c.273T>C (p.Asp91=)

Gene: AHNAK2 (AHNAK nucleoprotein 2; minus strand). Cytogenetic location: 14q32.33.
Variant type: single nucleotide variant.
Coding change: c.273T>C on transcript NM_138420.4 (MANE Select); coding-DNA position 273, T replaced by C.
Protein change: p.Asp91=; no amino-acid change (aspartic acid 91 retained).
Molecular consequence: synonymous variant. On other transcripts: 5 prime UTR variant (1).
Genome position (GRCh38, 1-based): chr14:104,956,630, A>G on the plus strand (T>C on the coding strand, the complement: AHNAK2 is on the minus strand). VCF-style: chr14-104956630-A-G. GRCh37 (hg19) VCF-style: chr14-105422967-A-G.
Other names: c.-28T>C (NM_001350929.2).
Identifiers: ClinVar variation 2644898 (VCV002644898.24), dbSNP rs372803540, ClinGen allele CA267400501.
Genomic context (GRCh38, chr14:104,956,630, plus strand): 5'-AGCTCCTGCTGTACCCACCTCTGGACGACTCATCCTGAAAAATGTCCGTGAGTCCCCTGA[A>G]TCTCGCTTCCACCAGGATCTCCGTCTCCCAGCAGAACCTTGCCTGCCGGGGGCGTCTTCC-3'
Protein context (NP_612429.2, residues 81-101): AGRRRSWWKR[Asp91=]SGDSRTFFRM

ClinVar aggregate classification (germline): Likely benign (1 of 4 stars; one submission).

Allele frequency attached by ClinVar (database versions not stated): TOPMed below 0.00001; ESP Exome Variant Server 0.00008.

Submission:

CeGaT Center for Human Genetics Tuebingen
Classification: Likely benign. Last evaluated: 2022-08-01. Review status: criteria provided, single submitter. Criteria: CeGaT Center For Human Genetics Tuebingen Variant Classification Criteria Version 2. Collection method: clinical testing. Allele origin: germline. Affected: yes. Observed: 1 variant allele.
Comment: AHNAK2: PM2:Supporting, BP4, BP7